The following is an entry in ClinVar:

ClinVar aggregate classification (germline): Likely pathogenic (1 of 4 stars; one submission).

Conditions:
Simpson-Golabi-Behmel syndrome type 1 (SGBS1). Also called: GPC3-Related Simpson-Golabi-Behmel Syndrome Type 1; SIMPSON DYSMORPHIA SYNDROME; BULLDOG SYNDROME; DYSPLASIA GIGANTISM SYNDROME, X-LINKED; GOLABI-ROSEN SYNDROME. Identifiers: Orphanet 373, MedGen C0796154, MONDO:0020602, OMIM 312870.

Submission:

Victorian Clinical Genetics Services, Murdoch Childrens Research Institute
Classification: Likely pathogenic for Simpson-Golabi-Behmel syndrome type 1. Last evaluated: 2024-10-10. Review status: criteria provided, single submitter. Criteria: ACMG Guidelines, 2015. Collection method: clinical testing. Allele origin: germline. Inheritance: X-linked recessive inheritance. Affected: yes.
Comment: Based on the classification scheme VCGS_Germline_v1.3.4, this variant is classified as Likely pathogenic. Following criteria are met: 0102 - Loss of function is a known mechanism of disease in this gene and is associated with Simpson-Golabi-Behmel syndrome, type 1 (MIM#312870). (I) 0109 - This gene is associated with X-linked recessive disease. Some mildly affected heterozygous females have been reported, and this is likely due to skewed X-inactivation (PMID: 20301398). (I) 0200 - Variant is predicted to result in a missense amino acid change from alanine to aspartic acid. (I) 0253 - This variant is hemizygous. (I) 0301 - Variant is absent from gnomAD (both v2 and v3). (SP) 0501 - Missense variant consistently predicted to be damaging by multiple in silico tools or highly conserved with a major amino acid change. (SP) 0600 - Variant is located in the annotated glypican domain (DECIPHER). (I) 0710 - Another missense variant comparable to the one identified in this case has inconclusive previous evidence for pathogenicity. p.(Ala232Val) has been classified as a VUS by a clinical laboratory in ClinVar. (I) 0807 - This variant has no previous evidence of pathogenicity. (I) 0903 - This variant has limited evidence for segregation with disease. This variant has been shown to segregate with disease, identified in four affected hemizygous males, two of which are identical twins, in a single family (VCGS internal cases). (SP) 1007 - No published functional evidence has been identified for this variant. (I) Legend: (SP) - Supporting pathogenic, (I) - Information, (SB) - Supporting benign

Literature cited by the submitters: PubMed 20301398.

NM_004484.4(GPC3):c.695C>A (p.Ala232Asp)

Gene: GPC3 (glypican 3; minus strand). Cytogenetic location: Xq26.2.
Variant type: single nucleotide variant.
Coding change: c.695C>A on transcript NM_004484.4 (MANE Select); coding-DNA position 695, C replaced by A.
Protein change: p.Ala232Asp; replaces alanine 232 with aspartic acid.
Molecular consequence: missense variant.
Genome position (GRCh38, 1-based): chrX:133,753,819, G>T on the plus strand (C>A on the coding strand, the complement: GPC3 is on the minus strand). VCF-style: chrX-133753819-G-T. GRCh37 (hg19) VCF-style: chrX-132887846-G-T.
Other names: c.695C>A, p.Ala232Asp (NM_001164617.2); c.647C>A, p.Ala216Asp (NM_001164618.2); c.533C>A, p.Ala178Asp (NM_001164619.2); short protein forms A178D, A216D, A232D.
Identifiers: ClinVar variation 1699090 (VCV001699090.4), dbSNP rs1206002281, ClinGen allele CA414706062.
Genomic context (GRCh38, chrX:133,753,819, plus strand): 5'-CAGTCCTTACTGAACTTCAGGTGATCAGTTGTGTTGATCACTTCAATTCCAAGATTCAGA[G>T]CCTGAAGGAAGATCCTAGTGACTTGCAGTGACTTGGAAACCTGGGTCATAATAAGCTTGG-3'
Protein context (NP_004475.1, residues 222-242): SLQVTRIFLQ[Ala232Asp]LNLGIEVINT